The following is an entry in ClinVar:

NM_006361.6(HOXB13):c.280C>T (p.Arg94Trp)

Gene: HOXB13 (homeobox B13; minus strand). Cytogenetic location: 17q21.32.
Variant type: single nucleotide variant.
Coding change: c.280C>T on transcript NM_006361.6 (MANE Select); coding-DNA position 280, C replaced by T.
Protein change: p.Arg94Trp; replaces arginine 94 with tryptophan.
Molecular consequence: missense variant.
Genome position (GRCh38, 1-based): chr17:48,728,314, G>A on the plus strand (C>T on the coding strand, the complement: HOXB13 is on the minus strand). VCF-style: chr17-48728314-G-A. GRCh37 (hg19) VCF-style: chr17-46805676-G-A.
Other names: short protein forms R94W.
Identifiers: ClinVar variation 821835 (VCV000821835.9), dbSNP rs1597934593, ClinGen allele CA400107777.

ClinVar aggregate classification (germline): Uncertain significance. Review status: criteria provided, multiple submitters, no conflicts (2 of 4 stars). 2 submissions from 2 submitters: Uncertain significance (2). Last evaluated 2024-04-16.

Conditions:
Hereditary cancer-predisposing syndrome. Also called: Tumor predisposition; Hereditary Cancer Syndrome; Neoplastic Syndromes, Hereditary; Hereditary neoplastic syndrome. Identifiers: Orphanet 140162, MedGen C0027672, MeSH D009386, MONDO:0015356.

Allele frequency attached by ClinVar (database versions not stated): gnomAD 0.00001.

Submissions (2):

Labcorp Genetics (formerly Invitae), Labcorp
Classification: Uncertain significance. Last evaluated: 2024-04-16. Review status: criteria provided, single submitter. Criteria: Invitae Variant Classification Sherloc (09022015). Collection method: clinical testing. Allele origin: germline.
Comment: This sequence change replaces arginine, which is basic and polar, with tryptophan, which is neutral and slightly polar, at codon 94 of the HOXB13 protein (p.Arg94Trp). This variant is not present in population databases (gnomAD no frequency). This variant has not been reported in the literature in individuals affected with HOXB13-related conditions. ClinVar contains an entry for this variant (Variation ID: 821835). Advanced modeling of protein sequence and biophysical properties (such as structural, functional, and spatial information, amino acid conservation, physicochemical variation, residue mobility, and thermodynamic stability) performed at Invitae indicates that this missense variant is not expected to disrupt HOXB13 protein function with a negative predictive value of 80%. In summary, the available evidence is currently insufficient to determine the role of this variant in disease. Therefore, it has been classified as a Variant of Uncertain Significance.

Ambry Genetics
Classification: Uncertain significance for Hereditary cancer-predisposing syndrome. Last evaluated: 2023-02-09. Review status: criteria provided, single submitter. Criteria: Ambry Variant Classification Scheme 2023. Collection method: clinical testing. Allele origin: germline.
Comment: The p.R94W variant (also known as c.280C>T), located in coding exon 1 of the HOXB13 gene, results from a C to T substitution at nucleotide position 280. The arginine at codon 94 is replaced by tryptophan, an amino acid with dissimilar properties. This amino acid position is well conserved in available vertebrate species. In addition, the in silico prediction for this alteration is inconclusive. Since supporting evidence is limited at this time, the clinical significance of this alteration remains unclear.